The following is an entry in ClinVar:

NM_001005373.4(LRSAM1):c.1870C>G (p.Arg624Gly)

Gene: LRSAM1 (leucine rich repeat and sterile alpha motif containing 1; plus strand). Cytogenetic location: 9q33.3.
Variant type: single nucleotide variant.
Coding change: c.1870C>G on transcript NM_001005373.4 (MANE Select); coding-DNA position 1870, C replaced by G.
Protein change: p.Arg624Gly; replaces arginine 624 with glycine.
Molecular consequence: missense variant. On other transcripts: non-coding transcript variant (2).
Genome position (GRCh38, 1-based): chr9:127,497,292, C>G. VCF-style: chr9-127497292-C-G. GRCh37 (hg19) VCF-style: chr9-130259571-C-G.
Other names: c.1870C>G (NM_138361.4); c.1870C>G, p.Arg624Gly (NM_001005374.4, NM_001384142.1, NM_138361.5); c.1789C>G, p.Arg597Gly (NM_001190723.3); c.1771C>G, p.Arg591Gly (NM_001384143.1); c.1081C>G, p.Arg361Gly (NM_001384144.1); short protein forms R624G, R597G, R361G, R591G.
Identifiers: ClinVar variation 245821 (VCV000245821.21), dbSNP rs375938990, ClinGen allele CA5247166.

ClinVar aggregate classification (germline): Uncertain significance. Review status: criteria provided, multiple submitters, no conflicts (2 of 4 stars). 6 submissions from 6 submitters: Uncertain significance (6). Last evaluated 2025-09-03.

Conditions:
LRSAM1-related disorder. Also called: LRSAM1-related condition.
Inborn genetic diseases. Identifiers: MedGen C0950123, MeSH D030342.
Charcot-Marie-Tooth disease axonal type 2P. Also called: CHARCOT-MARIE-TOOTH DISEASE, AXONAL, TYPE 2G; CMT 2G; CHARCOT-MARIE-TOOTH NEUROPATHY, TYPE 2P; Charcot-Marie-Tooth Neuropathy Type 2G. Identifiers: Orphanet 300319, Orphanet 99941, MedGen C3280797, MONDO:0013753, OMIM 614436.

Allele frequency attached by ClinVar (database versions not stated): ExAC 0.00001; gnomAD exomes 0.00001; TOPMed 0.00001.

Submissions (6):

PreventionGenetics, part of Exact Sciences
Classification: Uncertain significance for LRSAM1-related condition. Last evaluated: 2025-09-03. Review status: criteria provided, single submitter. Criteria: ACMG Guidelines, 2015. Collection method: clinical testing. Allele origin: germline.
Comment: The LRSAM1 c.1870C>G variant is predicted to result in the amino acid substitution p.Arg624Gly. To our knowledge, this variant has not been reported in the literature. This variant is reported in 0.0023% of alleles in individuals of European (Non-Finnish) descent in gnomAD. At this time, the clinical significance of this variant is uncertain due to the absence of conclusive functional and genetic evidence.

Labcorp Genetics (formerly Invitae), Labcorp
Classification: Uncertain significance for Charcot-Marie-Tooth disease axonal type 2P. Last evaluated: 2025-05-17. Review status: criteria provided, single submitter. Criteria: Invitae Variant Classification Sherloc (09022015). Collection method: clinical testing. Allele origin: germline.
Comment: This sequence change replaces arginine, which is basic and polar, with glycine, which is neutral and non-polar, at codon 624 of the LRSAM1 protein (p.Arg624Gly). This variant is present in population databases (rs375938990, gnomAD 0.002%). This variant has not been reported in the literature in individuals affected with LRSAM1-related conditions. ClinVar contains an entry for this variant (Variation ID: 245821). Invitae Evidence Modeling of protein sequence and biophysical properties (such as structural, functional, and spatial information, amino acid conservation, physicochemical variation, residue mobility, and thermodynamic stability) indicates that this missense variant is not expected to disrupt LRSAM1 protein function with a negative predictive value of 80%. In summary, the available evidence is currently insufficient to determine the role of this variant in disease. Therefore, it has been classified as a Variant of Uncertain Significance.

ARUP Laboratories, Molecular Genetics and Genomics, ARUP Laboratories
Classification: Uncertain significance for Charcot-Marie-Tooth disease axonal type 2P. Last evaluated: 2021-04-17. Review status: criteria provided, single submitter. Criteria: ARUP Molecular Germline Variant Investigation Process 2021. Collection method: clinical testing. Allele origin: germline.
Comment: The LRSAM1 c.1870C>G; p.Arg624Gly variant (rs375938990), to our knowledge, is not reported in the medical literature but is reported in ClinVar (Variation ID: 245821). This variant is found in the non-Finnish European population with an allele frequency of 0.0023% (3/128,926 alleles) in the Genome Aggregation Database. The arginine at codon 624 is highly conserved, but computational analyses are uncertain whether this variant is neutral or deleterious (REVEL: 0.432). Due to limited information, the clinical significance of the p.Arg624Gly variant is uncertain at this time.

Ambry Genetics
Classification: Uncertain significance for Inborn genetic diseases. Last evaluated: 2020-11-24. Review status: criteria provided, single submitter. Criteria: Ambry Variant Classification Scheme 2023. Collection method: clinical testing. Allele origin: germline.
Comment: The p.R624G variant (also known as c.1870C>G), located in coding exon 22 of the LRSAM1 gene, results from a C to G substitution at nucleotide position 1870. The arginine at codon 624 is replaced by glycine, an amino acid with dissimilar properties. This amino acid position is well conserved in available vertebrate species. In addition, the in silico prediction for this alteration is inconclusive. Since supporting evidence is limited at this time, the clinical significance of this alteration remains unclear.

GeneDx
Classification: Uncertain significance. Last evaluated: 2015-07-16. Review status: criteria provided, single submitter. Criteria: GeneDx Variant Classification (06012015). Collection method: clinical testing. Allele origin: germline. Affected: yes.
Comment: The R624G variant has not been published as pathogenic nor has it been reported as a benign polymorphism to our knowledge. It was not observed in approximately 6,500 individuals of European and African American ancestry in the NHLBI Exome Sequencing Project, indicating it is not a common benign variant in these populations. The R624G variant is a non-conservative amino acid substitution, which is likely to impact secondary protein structure as these residues differ in polarity, charge, size and/or other properties. Additionally, this substitution occurs at a position that is conserved in mammals. However, missense variants in the LRSAM1 gene have not been reported in association with neuropathy (Stenson et al., 2014). In silico analysis is inconsistent in its predictions as to whether or not the variant is damaging to the protein structure/function. Therefore, based on the currently available information, it is unclear whether this variant is a pathogenic or a rare benign variant.

Breakthrough Genomics
Classification: Uncertain significance. Review status: criteria provided, single submitter. Criteria: ACMG Guidelines, 2015. Collection method: not provided. Allele origin: germline. Inheritance: Autosomal recessive inheritance. Affected: yes.